The following is an entry in ClinVar:

ClinVar aggregate classification (germline): Uncertain significance (1 of 4 stars; one submission).

Conditions:
Autosomal recessive nonsyndromic hearing loss 42. Identifiers: Orphanet 90636, MedGen C1864818, MONDO:0012326, OMIM 609646.

Submission:

Institute of Human Genetics, University of Goettingen
Classification: Uncertain significance for Autosomal recessive nonsyndromic hearing loss 42. Last evaluated: 2026-01-12. Review status: criteria provided, single submitter. Criteria: ACMG Guidelines, 2015. Collection method: clinical testing. Allele origin: paternal. Inheritance: Autosomal recessive inheritance. Affected: yes. Observed: 1 heterozygote.
Comment: The NM_001199799.2(ILDR1):​c.499+5G>A variant causes a splice region, intron change involving the alteration of a conserved nucleotide. The variant was absent in control chromosomes in GnomAD project. In-silico tool (Splice AI) predicts a donor loss.

NM_001199799.2(ILDR1):c.499+5G>A

Gene: ILDR1 (immunoglobulin like domain containing receptor 1; minus strand). Cytogenetic location: 3q13.33.
Variant type: single nucleotide variant.
Coding change: c.499+5G>A on transcript NM_001199799.2 (MANE Select); 5 bases into the intron after coding-DNA position 499, G replaced by A.
Molecular consequence: intron variant.
Genome position (GRCh38, 1-based): chr3:122,001,740, C>T on the plus strand (G>A on the coding strand, the complement: ILDR1 is on the minus strand). VCF-style: chr3-122001740-C-T. GRCh37 (hg19) VCF-style: chr3-121720587-C-T.
Other names: c.499+5G>A (NM_175924.4); c.379+3504G>A (NM_001199800.2).
Identifiers: ClinVar variation 4686664 (VCV004686664.1).